The following is an entry in ClinVar:

ClinVar aggregate classification (germline): Pathogenic (1 of 4 stars; one submission).

Submission:

Quest Diagnostics Nichols Institute San Juan Capistrano
Classification: Pathogenic. Last evaluated: 2021-06-04. Review status: criteria provided, single submitter. Criteria: ACMG/ClinGen CNV Guidelines, 2019. Collection method: clinical testing. Allele origin: unknown.
Comment: This deletion involves multiple genes, including XPO1 and USP34. This interval overlaps with the proximal side of the Chromosome 2p16.1-p15 deletion syndrome (OMIM 612513), which is a neurodevelopmental disorder characterized by delayed psychomotor development, intellectual disability, and variable but distinctive dysmorphic features, including microcephaly, bitemporal narrowing, smooth and long philtrum, hypertelorism, downslanting palpebral fissures, broad nasal root, thin upper lip, and high palate. Similar overlapping proximal deletions involving XPO1 and USP34 genes have been reported in patients with facial dysmorphism, cerebral abnormalities, and congenital defects ( Am J Med Genet A . 2017 Aug;173(8):2081-2087. PMID: 28573701; Eur J Med Genet. 2014 Sep;57(9):513-9. PMID: 24911659; Zhonghua Yi Xue Yi Chuan Xue Za Zhi. 2020 Feb10;37(2):186-189. PMID: 28981937). A smallest region of overlap including only XPO1 and USP34 genes has been defined in a case review study of 16 patients with 2p16.1p15 deletions (Congenit Anom (Kyoto).2015 Aug;55(3):125-32. PMID: 25900130). Additional information: biallelic pathogenic variants in PEX13 gene havebeen associated with autosomal recessive Peroxisome biogenesis disorder 11A (Zellweger) (OMIM 614883) and Peroxisome biogenesis disorder 11B (OMIM 614885).

GRCh37/hg19 2p16.1-15(chr2:61215497-61714418)x1

Genes: C2orf74 (chromosome 2 open reading frame 74; plus strand), PEX13 (peroxisomal biogenesis factor 13; plus strand), PUS10 (pseudouridine synthase 10; minus strand), SANBR (SANT and BTB domain regulator of CSR; plus strand), USP34 (ubiquitin specific peptidase 34; minus strand) and 1 more. Cytogenetic location: 2p16.1-15.
Variant type: copy number loss.
Change: copy number 1 (one copy instead of two) of chr2:61,215,497-61,714,418 (498.9 kb, GRCh37 coordinates, 1-based), cytogenetic band 2p16.1-15.
Identifiers: ClinVar variation 1807687 (VCV001807687.1).